The following is an entry in ClinVar:

ClinVar aggregate classification (germline): Uncertain significance (1 of 4 stars; one submission).

Conditions:
Tay-Sachs disease, variant AB. Also called: GM2 Activator Deficiency; Gm2-gangliosidosis, ab variant. Identifiers: Orphanet 309246, MedGen C0268275, MONDO:0010099, OMIM 272750.

Allele frequency attached by ClinVar (database versions not stated): gnomAD 0.00002; TOPMed 0.00004; gnomAD exomes 0.00005 and 0.00001; ExAC 0.00002.
gnomAD v4.1: 67 of 1,614,050 alleles (0.0042%); highest among the groups gnomAD compares: Admixed American, 0.0067%; no homozygotes.

Submission:

Labcorp Genetics (formerly Invitae), Labcorp
Classification: Uncertain significance for Tay-Sachs disease, variant AB. Last evaluated: 2021-12-24. Review status: criteria provided, single submitter. Criteria: Invitae Variant Classification Sherloc (09022015). Collection method: clinical testing. Allele origin: germline.
Comment: Algorithms developed to predict the effect of sequence changes on RNA splicing suggest that this variant may create or strengthen a splice site. In summary, the available evidence is currently insufficient to determine the role of this variant in disease. Therefore, it has been classified as a Variant of Uncertain Significance. Algorithms developed to predict the effect of missense changes on protein structure and function (SIFT, PolyPhen-2, Align-GVGD) all suggest that this variant is likely to be disruptive. This sequence change replaces glycine, which is neutral and non-polar, with arginine, which is basic and polar, at codon 166 of the GM2A protein (p.Gly166Arg). This variant is present in population databases (rs764022955, gnomAD 0.002%). This variant has not been reported in the literature in individuals affected with GM2A-related conditions.

NM_000405.5(GM2A):c.496G>A (p.Gly166Arg)

Gene: GM2A (ganglioside GM2 activator; plus strand). Cytogenetic location: 5q33.1.
Variant type: single nucleotide variant.
Coding change: c.496G>A on transcript NM_000405.5 (MANE Select); coding-DNA position 496, G replaced by A.
Protein change: p.Gly166Arg; replaces glycine 166 with arginine.
Molecular consequence: missense variant. On other transcripts: intron variant (1).
Genome position (GRCh38, 1-based): chr5:151,267,365, G>A. VCF-style: chr5-151267365-G-A. GRCh37 (hg19) VCF-style: chr5-150646926-G-A.
Other names: c.413-127G>A (NM_001167607.3); short protein forms G166R.
Identifiers: ClinVar variation 1397542 (VCV001397542.5), dbSNP rs764022955, ClinGen allele CA3517982.